The following is an entry in ClinVar:

NM_000145.4(FSHR):c.485G>A (p.Arg162Lys)

Gene: FSHR (follicle stimulating hormone receptor; minus strand). Cytogenetic location: 2p16.3.
Variant type: single nucleotide variant.
Coding change: c.485G>A on transcript NM_000145.4 (MANE Select); coding-DNA position 485, G replaced by A.
Protein change: p.Arg162Lys; replaces arginine 162 with lysine.
Molecular consequence: missense variant. On other transcripts: intron variant (1).
Genome position (GRCh38, 1-based): chr2:48,989,016, C>T on the plus strand (G>A on the coding strand, the complement: FSHR is on the minus strand). VCF-style: chr2-48989016-C-T. GRCh37 (hg19) VCF-style: chr2-49216155-C-T.
Other names: c.446+1550G>A (NM_181446.3); short protein forms R162K.
Identifiers: ClinVar variation 336489 (VCV000336489.47), dbSNP rs111883853, ClinGen allele CA1653916.

ClinVar aggregate classification (germline): Conflicting classifications of pathogenicity. Review status: criteria provided, conflicting classifications (1 of 4 stars). 7 submissions from 6 submitters: Uncertain significance (1); Benign (1); Likely benign (4). 1 of the submissions does not count toward it. Last evaluated 2026-07-01.

Conditions:
Ovarian dysgenesis 1 (ODG1). Also called: Gonadal dysgenesis XX type deafness; GONADAL DYSGENESIS, XX TYPE; OVARIAN DYSGENESIS, HYPERGONADOTROPIC, AUTOSOMAL RECESSIVE; OVARIAN DYSGENESIS, HYPERGONADOTROPIC, WITH NORMAL KARYOTYPE; OVARIAN FAILURE, HYPERGONADOTROPIC. Identifiers: Orphanet 243, MedGen C0949595, MONDO:0024463, OMIM 233300.
Ovarian hyperstimulation syndrome (OHSS). Also called: OVARIAN HYPERSTIMULATION SYNDROME, FAMILIAL GESTATIONAL SPONTANEOUS. Identifiers: Orphanet 64739, MedGen C0085083, MONDO:0011972, OMIM 608115.
FSHR-related disorder. Also called: FSHR-related condition; FSHR-related disorders.

Allele frequency attached by ClinVar (database versions not stated): 1000 Genomes Project 0.00200; 1000 Genomes Project 30x 0.00203; TOPMed 0.00274; ESP Exome Variant Server 0.00354; gnomAD 0.00359 and 0.00372; gnomAD exomes 0.00391; ExAC 0.00461.
gnomAD v4.1: 6,833 of 1,613,862 alleles (0.42%); highest among the groups gnomAD compares: Non-Finnish European, 0.49%; 26 homozygotes.

Submissions (7):

CeGaT Center for Human Genetics Tuebingen
Classification: Likely benign. Last evaluated: 2026-07-01. Review status: criteria provided, single submitter. Criteria: CeGaT Center For Human Genetics Tuebingen Variant Classification Criteria Version 2. Collection method: clinical testing. Allele origin: germline. Affected: yes. Observed: 2 variant alleles.
Comment: FSHR: BS2

Blueprint Genetics
Classification: Likely benign. Last evaluated: 2024-11-15. Review status: criteria provided, single submitter. Criteria: ACMG Guidelines, 2015. Collection method: clinical testing. Allele origin: germline.

GeneDx
Classification: Likely benign. Last evaluated: 2024-06-27. Review status: criteria provided, single submitter. Criteria: GeneDx Variant Classification Process June 2021. Collection method: clinical testing. Allele origin: germline. Affected: yes.
Comment: See Variant Classification Assertion Criteria.

Labcorp Genetics (formerly Invitae), Labcorp
Classification: Benign. Last evaluated: 2019-12-31. Review status: criteria provided, single submitter. Criteria: Invitae Variant Classification Sherloc (09022015). Collection method: clinical testing. Allele origin: germline.

Illumina Laboratory Services, Illumina
Classification: Likely benign for Ovarian hyperstimulation syndrome. Last evaluated: 2018-01-12. Review status: criteria provided, single submitter. Criteria: ICSL Variant Classification Criteria 13 December 2019. Collection method: clinical testing. Allele origin: germline.
Comment: This variant was observed in the ICSL laboratory as part of a predisposition screen in an ostensibly healthy population. It had not been previously curated by ICSL or reported in the Human Gene Mutation Database (HGMD: prior to June 1st, 2018), and was therefore a candidate for classification through an automated scoring system. Utilizing variant allele frequency, disease prevalence and penetrance estimates, and inheritance mode, an automated score was calculated to assess if this variant is too frequent to cause the disease. Based on the score and internal cut-off values, a variant classified as likely benign is not then subjected to further curation. The score for this variant resulted in a classification of likely benign for this disease.

Illumina Laboratory Services, Illumina
Classification: Uncertain significance for Ovarian dysgenesis 1. Last evaluated: 2018-01-12. Review status: criteria provided, single submitter. Criteria: ICSL Variant Classification Criteria 13 December 2019. Collection method: clinical testing. Allele origin: germline.

PreventionGenetics, part of Exact Sciences
Classification: Benign for FSHR-related condition. Last evaluated: 2020-02-05. Review status: no assertion criteria provided. Collection method: clinical testing. Allele origin: germline. Not counted in ClinVar's aggregate classification.
Comment: This variant is classified as benign based on ACMG/AMP sequence variant interpretation guidelines (Richards et al. 2015 PMID: 25741868, with internal and published modifications).